The following is an entry in ClinVar:

NM_018699.4(PRDM5):c.658C>T (p.Gln220Ter)

Gene: PRDM5 (PR/SET domain 5; minus strand). Cytogenetic location: 4q27.
Variant type: single nucleotide variant.
Coding change: c.658C>T on transcript NM_018699.4 (MANE Select); coding-DNA position 658, C replaced by T.
Protein change: p.Gln220Ter; replaces glutamine 220 with a stop codon.
Molecular consequence: nonsense. On other transcripts: intron variant (3).
Genome position (GRCh38, 1-based): chr4:120,816,917, G>A on the plus strand (C>T on the coding strand, the complement: PRDM5 is on the minus strand). VCF-style: chr4-120816917-G-A. GRCh37 (hg19) VCF-style: chr4-121738072-G-A.
Other names: c.658C>T, p.Gln220Ter (NM_001379104.1); c.651-343C>T (NM_001300824.2, NM_001379106.1, NM_001300823.2); short protein forms Q220*.
Identifiers: ClinVar variation 2501236 (VCV002501236.1), dbSNP rs2477956523, ClinGen allele CA358207840.
Genomic context (GRCh38, chr4:120,816,917, plus strand): 5'-TGCAAACAGAGCACTGAAAACTTCGCGAAGACTCCTTTAGACTGCTTTTCGCTGTGCACT[G>A]AAGAACACTAAAGGGAAATAGGAAAAAGAGAAAGAAAAGAAAACAAAAACTGGAACTCTA-3'

ClinVar aggregate classification (germline): Likely pathogenic (1 of 4 stars; one submission).

Conditions:
Brittle cornea syndrome 2 (BCS2). Identifiers: Orphanet 90354, MedGen C3280011, MONDO:0013605, OMIM 614170.

Allele frequency attached by ClinVar (database versions not stated): gnomAD exomes below 0.00001.
gnomAD v4.1: 2 of 1,611,288 alleles (0.00012%); highest among the groups gnomAD compares: Non-Finnish European, 0.00017%; no homozygotes.

Submission:

Women's Health and Genetics/Laboratory Corporation of America, LabCorp
Classification: Likely pathogenic for Brittle cornea syndrome 2. Last evaluated: 2023-03-30. Review status: criteria provided, single submitter. Criteria: LabCorp Variant Classification Summary - May 2015. Collection method: clinical testing. Allele origin: germline.
Comment: Variant summary: PRDM5 c.658C>T (p.Gln220X) results in a premature termination codon, predicted to cause a truncation of the encoded protein or absence of the protein due to nonsense mediated decay, which are commonly known mechanisms for disease. The variant was absent in 251376 control chromosomes (gnomAD). To our knowledge, no occurrence of c.658C>T in individuals affected with Brittle Cornea Syndrome and no experimental evidence demonstrating its impact on protein function have been reported. No clinical diagnostic laboratories have submitted clinical-significance assessments for this variant to ClinVar after 2014. Based on the evidence outlined above, the variant was classified as likely pathogenic.